The following is an entry in ClinVar:

NM_152564.5(VPS13B):c.7850T>C (p.Leu2617Pro)

Gene: VPS13B (vacuolar protein sorting 13 homolog B; plus strand). Cytogenetic location: 8q22.2.
Variant type: single nucleotide variant.
Coding change: c.7850T>C on transcript NM_152564.5 (MANE Select); coding-DNA position 7850, T replaced by C.
Protein change: p.Leu2617Pro; replaces leucine 2617 with proline.
Molecular consequence: missense variant.
Genome position (GRCh38, 1-based): chr8:99,784,385, T>C. VCF-style: chr8-99784385-T-C. GRCh37 (hg19) VCF-style: chr8-100796613-T-C.
Other names: c.7925T>C, p.Leu2642Pro (NM_017890.5); short protein forms L2617P, L2642P.
Identifiers: ClinVar variation 561143 (VCV000561143.2), dbSNP rs1563916076, ClinGen allele CA371766563.

ClinVar aggregate classification (germline): Uncertain significance (1 of 4 stars; one submission).

Conditions:
Cohen syndrome (COH1). Also called: PEPPER SYNDROME; Cutis verticis gyrata, retinitis pigmentosa, and sensorineural deafness. Identifiers: Orphanet 193, MedGen C0265223, MONDO:0008999, OMIM 216550.

Submission:

Baylor Genetics
Classification: Uncertain significance for Cohen syndrome. Last evaluated: 2017-09-01. Review status: criteria provided, single submitter. Criteria: ACMG Guidelines, 2015. Collection method: clinical testing. Allele origin: maternal. Inheritance: Autosomal recessive inheritance. Affected: yes.

Literature cited by the submitters: PubMed 25326635.